The following is an entry in ClinVar:

ClinVar aggregate classification (germline): Uncertain significance (1 of 4 stars; one submission).

Conditions:
Cornelia de Lange syndrome 1 (CDLS1). Also called: TYPUS DEGENERATIVUS AMSTELODAMENSIS; Brachmann de Lange syndrome; NIPBL-Related Cornelia de Lange Syndrome. Identifiers: Orphanet 199, MedGen C4551851, MONDO:0007387, OMIM 122470.

Submission:

Juno Genomics, Hangzhou Juno Genomics, Inc
Classification: Uncertain significance for Cornelia de Lange syndrome 1. Review status: criteria provided, single submitter. Criteria: ACMG Guidelines, 2015. Collection method: clinical testing. Allele origin: germline.
Comment: Absent from controls (or at extremely low frequency if recessive) in Genome Aggregation Database.;Missense variant in a gene that has a low rate of benign missense variation.

NM_133433.4(NIPBL):c.1270G>A (p.Glu424Lys)

Gene: NIPBL (NIPBL cohesin loading factor; plus strand). Cytogenetic location: 5p13.2.
Variant type: single nucleotide variant.
Coding change: c.1270G>A on transcript NM_133433.4 (MANE Select); coding-DNA position 1270, G replaced by A.
Protein change: p.Glu424Lys; replaces glutamic acid 424 with lysine.
Molecular consequence: missense variant.
Genome position (GRCh38, 1-based): chr5:36,976,177, G>A. VCF-style: chr5-36976177-G-A. GRCh37 (hg19) VCF-style: chr5-36976279-G-A.
Other names: c.1270G>A, p.Glu424Lys (NM_001438586.1, NM_015384.5); short protein forms E424K.
Identifiers: ClinVar variation 5006888 (VCV005006888.2).
Genomic context (GRCh38, chr5:36,976,177, plus strand): 5'-CCCATTACTCCACAAGATATAAACCGCCCACTAAATGCTGCTCAATGTTTGTCGCAGCAA[G>A]AACAAACAGCATTCCTTCCAGCAAATCAAGTGCCTGTTTTACAACAGAACACTTCAGTTG-3'
Protein context (NP_597677.2, residues 414-434): LNAAQCLSQQ[Glu424Lys]QTAFLPANQV